The following is an entry in ClinVar:

ClinVar aggregate classification (germline): Uncertain significance (1 of 4 stars; one submission).

Conditions:
Spastic paraplegia. Identifiers: MedGen C0037772, HP:0001258.

Allele frequency attached by ClinVar (database versions not stated): gnomAD exomes below 0.00001.
gnomAD v4.1: 1 of 1,212,146 alleles (0.000082%); highest among the groups gnomAD compares: Non-Finnish European, 0.00011%; no homozygotes.

Submission:

Labcorp Genetics (formerly Invitae), Labcorp
Classification: Uncertain significance for Spastic paraplegia. Last evaluated: 2022-11-24. Review status: criteria provided, single submitter. Criteria: Invitae Variant Classification Sherloc (09022015). Collection method: clinical testing. Allele origin: germline.
Comment: This sequence change replaces glutamic acid, which is acidic and polar, with alanine, which is neutral and non-polar, at codon 999 of the L1CAM protein (p.Glu999Ala). This variant is not present in population databases (gnomAD no frequency). This variant has not been reported in the literature in individuals affected with L1CAM-related conditions. Advanced modeling of protein sequence and biophysical properties (such as structural, functional, and spatial information, amino acid conservation, physicochemical variation, residue mobility, and thermodynamic stability) performed at Invitae indicates that this missense variant is not expected to disrupt L1CAM protein function. In summary, the available evidence is currently insufficient to determine the role of this variant in disease. Therefore, it has been classified as a Variant of Uncertain Significance.

NM_001278116.2(L1CAM):c.2996A>C (p.Glu999Ala)

Gene: L1CAM (L1 cell adhesion molecule; minus strand). Cytogenetic location: Xq28.
Variant type: single nucleotide variant.
Coding change: c.2996A>C on transcript NM_001278116.2 (MANE Select); coding-DNA position 2996, A replaced by C.
Protein change: p.Glu999Ala; replaces glutamic acid 999 with alanine.
Molecular consequence: missense variant.
Genome position (GRCh38, 1-based): chrX:153,864,871, T>G on the plus strand (A>C on the coding strand, the complement: L1CAM is on the minus strand). VCF-style: chrX-153864871-T-G. GRCh37 (hg19) VCF-style: chrX-153130326-T-G.
Other names: c.2996A>C, p.Glu999Ala (NM_000425.5, NM_024003.3); c.2981A>C, p.Glu994Ala (NM_001143963.2); short protein forms E999A, E994A.
Identifiers: ClinVar variation 2816261 (VCV002816261.3), dbSNP rs2520969502, ClinGen allele CA415113913.